The following is an entry in ClinVar:

NM_001040142.2(SCN2A):c.2149+3A>G

Gene: SCN2A (sodium voltage-gated channel alpha subunit 2; plus strand). Cytogenetic location: 2q24.3.
Variant type: single nucleotide variant.
Coding change: c.2149+3A>G on transcript NM_001040142.2 (MANE Select); 3 bases into the intron after coding-DNA position 2149, A replaced by G.
Molecular consequence: intron variant.
Genome position (GRCh38, 1-based): chr2:165,326,987, A>G. VCF-style: chr2-165326987-A-G. GRCh37 (hg19) VCF-style: chr2-166183497-A-G.
Other names: c.2149+3A>G (NM_001040143.2, NM_001371246.1, NM_001371247.1 and 1 more transcripts).
Identifiers: ClinVar variation 4881854 (VCV004881854.2).

ClinVar aggregate classification (germline): Uncertain significance (1 of 4 stars; one submission).

Submission:

Dasa
Classification: Uncertain significance. Last evaluated: 2026-01-29. Review status: criteria provided, single submitter. Criteria: DASA Assertion Criteria. Collection method: clinical testing. Allele origin: germline.
Comment: NM_001040142.2(SCN2A):c.2149+3A>G is a splice-region variant. This variant is rare in population databases. The currently available literature and clinical evidence are not sufficient to establish a definitive association between this variant and the reported condition. Therefore, this variant is classified as a variant of uncertain significance.